The following is an entry in ClinVar:

NM_000268.4(NF2):c.1544A>G (p.Lys515Arg)

Gene: NF2 (NF2, moesin-ezrin-radixin like (MERLIN) tumor suppressor; plus strand). Cytogenetic location: 22q12.2.
Variant type: single nucleotide variant.
Coding change: c.1544A>G on transcript NM_000268.4 (MANE Select); coding-DNA position 1544, A replaced by G.
Protein change: p.Lys515Arg; replaces lysine 515 with arginine.
Molecular consequence: missense variant. On other transcripts: non-coding transcript variant (1), intron variant (1).
Genome position (GRCh38, 1-based): chr22:29,678,293, A>G. VCF-style: chr22-29678293-A-G. GRCh37 (hg19) VCF-style: chr22-30074282-A-G.
Other names: c.1544A>G, p.Lys515Arg (NM_016418.5, NM_181825.3, NM_181832.3); c.1418A>G, p.Lys473Arg (NM_181828.3); c.1421A>G, p.Lys474Arg (NM_181829.3); c.1295A>G, p.Lys432Arg (NM_181830.3, NM_181831.3); c.448-16459A>G (NM_181833.3); short protein forms K515R, K473R, K432R, K474R.
Identifiers: ClinVar variation 963971 (VCV000963971.11), dbSNP rs2067027566, ClinGen allele CA411149749.

ClinVar aggregate classification (germline): Uncertain significance. Review status: criteria provided, multiple submitters, no conflicts (2 of 4 stars). 2 submissions from 2 submitters: Uncertain significance (2). Last evaluated 2024-12-08.

Conditions:
Hereditary cancer-predisposing syndrome. Also called: Tumor predisposition; Hereditary Cancer Syndrome; Neoplastic Syndromes, Hereditary; Hereditary neoplastic syndrome. Identifiers: Orphanet 140162, MedGen C0027672, MeSH D009386, MONDO:0015356.
Neurofibromatosis, type 2 (SWNV). Also called: BILATERAL ACOUSTIC NEUROFIBROMATOSIS; SCHWANNOMATOSIS, VESTIBULAR; NF2-Related Schwannomatosis. Identifiers: Orphanet 637, MedGen C0027832, MONDO:0007039, OMIM 101000. Disease mechanism: loss of function.

Allele frequency attached by ClinVar (database versions not stated): TOPMed below 0.00001.

Submissions (2):

Ambry Genetics
Classification: Uncertain significance for Hereditary cancer-predisposing syndrome. Last evaluated: 2024-12-08. Review status: criteria provided, single submitter. Criteria: Ambry Variant Classification Scheme 2023. Collection method: clinical testing. Allele origin: germline.
Comment: The p.K515R variant (also known as c.1544A>G), located in coding exon 14 of the NF2 gene, results from an A to G substitution at nucleotide position 1544. The lysine at codon 515 is replaced by arginine, an amino acid with highly similar properties. This amino acid position is conserved. In addition, the in silico prediction for this alteration is inconclusive. Based on the available evidence, the clinical significance of this variant remains unclear.

Labcorp Genetics (formerly Invitae), Labcorp
Classification: Uncertain significance for Neurofibromatosis, type 2. Last evaluated: 2022-02-25. Review status: criteria provided, single submitter. Criteria: Invitae Variant Classification Sherloc (09022015). Collection method: clinical testing. Allele origin: germline.
Comment: Algorithms developed to predict the effect of missense changes on protein structure and function are either unavailable or do not agree on the potential impact of this missense change (SIFT: "Tolerated"; PolyPhen-2: "Probably Damaging"; Align-GVGD: "Class C0"). In summary, the available evidence is currently insufficient to determine the role of this variant in disease. Therefore, it has been classified as a Variant of Uncertain Significance. ClinVar contains an entry for this variant (Variation ID: 963971). This variant has not been reported in the literature in individuals affected with NF2-related conditions. This variant is not present in population databases (gnomAD no frequency). This sequence change replaces lysine, which is basic and polar, with arginine, which is basic and polar, at codon 515 of the NF2 protein (p.Lys515Arg).